The following is an entry in ClinVar:

ClinVar aggregate classification (germline): Uncertain significance (1 of 4 stars; one submission).

Conditions:
Hereditary diffuse gastric adenocarcinoma (HDGC). Also called: DIFFUSE GASTRIC AND LOBULAR BREAST CANCER SYNDROME. Identifiers: Orphanet 26106, MedGen C1708349, MONDO:0007648, OMIM 137215.

gnomAD v4.1: 1 of 1,614,112 alleles (0.000062%); highest among the groups gnomAD compares: Non-Finnish European, 0.000085%; no homozygotes.

Submission:

Labcorp Genetics (formerly Invitae), Labcorp
Classification: Uncertain significance for Hereditary diffuse gastric adenocarcinoma. Last evaluated: 2024-09-14. Review status: criteria provided, single submitter. Criteria: Invitae Variant Classification Sherloc (09022015). Collection method: clinical testing. Allele origin: germline.
Comment: This sequence change replaces threonine, which is neutral and polar, with asparagine, which is neutral and polar, at codon 303 of the CDH1 protein (p.Thr303Asn). This variant is not present in population databases (gnomAD no frequency). This variant has not been reported in the literature in individuals affected with CDH1-related conditions. An algorithm developed to predict the effect of missense changes on protein structure and function (PolyPhen-2) suggests that this variant is likely to be tolerated. In summary, the available evidence is currently insufficient to determine the role of this variant in disease. Therefore, it has been classified as a Variant of Uncertain Significance.

NM_004360.5(CDH1):c.908C>A (p.Thr303Asn)

Gene: CDH1 (cadherin 1; plus strand). Cytogenetic location: 16q22.1.
Variant type: single nucleotide variant.
Coding change: c.908C>A on transcript NM_004360.5 (MANE Select); coding-DNA position 908, C replaced by A.
Protein change: p.Thr303Asn; replaces threonine 303 with asparagine.
Molecular consequence: missense variant. On other transcripts: 5 prime UTR variant (2).
Genome position (GRCh38, 1-based): chr16:68,811,759, C>A. VCF-style: chr16-68811759-C-A. GRCh37 (hg19) VCF-style: chr16-68845662-C-A.
Other names: c.908C>A, p.Thr303Asn (NM_001317184.2); c.-708C>A (NM_001317185.2); c.-912C>A (NM_001317186.2); short protein forms T303N.
Identifiers: ClinVar variation 3647107 (VCV003647107.2).
Genomic context (GRCh38, chr16:68,811,759, plus strand): 5'-AGGTCACAGCCACAGACGCGGACGATGATGTGAACACCTACAATGCCGCCATCGCTTACA[C>A]CATCCTCAGCCAAGATCCTGAGCTCCCTGACAAAAATATGTTCACCATTAACAGGAACAC-3'
Protein context (NP_004351.1, residues 293-313): VNTYNAAIAY[Thr303Asn]ILSQDPELPD